The following is an entry in ClinVar:

ClinVar aggregate classification (germline): Uncertain significance. Review status: criteria provided, multiple submitters, no conflicts (2 of 4 stars). 2 submissions from 2 submitters: Uncertain significance (2). Last evaluated 2026-04-21.

Conditions:
Hereditary cancer-predisposing syndrome. Also called: Tumor predisposition; Neoplastic Syndromes, Hereditary; Hereditary neoplastic syndrome; Hereditary Cancer Syndrome. Identifiers: Orphanet 140162, MedGen C0027672, MeSH D009386, MONDO:0015356.
Ataxia-telangiectasia syndrome (AT). Also called: Ataxia-telangiectasia, complementation group D; AT, COMPLEMENTATION GROUP C; ATAXIA-TELANGIECTASIA, COMPLEMENTATION GROUP A; ATAXIA-TELANGIECTASIA, FRESNO VARIANT; Ataxia-telangiectasia; Ataxia telangiectasia (A-T). Identifiers: Orphanet 100, MedGen C0004135, MONDO:0008840, OMIM 208900.

Submissions (2):

Ambry Genetics
Classification: Uncertain significance for Hereditary cancer-predisposing syndrome. Last evaluated: 2026-04-21. Review status: criteria provided, single submitter. Criteria: Ambry Variant Classification Scheme 2023. Collection method: clinical testing. Allele origin: germline.
Comment: The p.A2693T variant (also known as c.8077G>A), located in coding exon 54 of the ATM gene, results from a G to A substitution at nucleotide position 8077. The alanine at codon 2693 is replaced by threonine, an amino acid with similar properties. In an assay testing ATM function, this variant showed a functionally normal result (Lee KS et al. Cell, 2025 Sep;188:5081-5099.e27). This amino acid position is highly conserved in available vertebrate species. In addition, the in silico prediction for this alteration is inconclusive. Based on the available evidence, the clinical significance of this variant remains unclear.

Labcorp Genetics (formerly Invitae), Labcorp
Classification: Uncertain significance for Ataxia-telangiectasia syndrome. Last evaluated: 2024-04-10. Review status: criteria provided, single submitter. Criteria: Invitae Variant Classification Sherloc (09022015). Collection method: clinical testing. Allele origin: germline.
Comment: This sequence change replaces alanine, which is neutral and non-polar, with threonine, which is neutral and polar, at codon 2693 of the ATM protein (p.Ala2693Thr). This variant is not present in population databases (gnomAD no frequency). This variant has not been reported in the literature in individuals affected with ATM-related conditions. ClinVar contains an entry for this variant (Variation ID: 1001363). An algorithm developed to predict the effect of missense changes on protein structure and function (PolyPhen-2) suggests that this variant is likely to be disruptive. In summary, the available evidence is currently insufficient to determine the role of this variant in disease. Therefore, it has been classified as a Variant of Uncertain Significance.

Literature cited by the submitters: PubMed 40580951 (cited by Ambry Genetics).

NM_000051.4(ATM):c.8077G>A (p.Ala2693Thr)

Genes: ATM (ATM serine/threonine kinase; plus strand), C11orf65 (chromosome 11 open reading frame 65; minus strand). Cytogenetic location: 11q22.3.
Variant type: single nucleotide variant.
Coding change: c.8077G>A on transcript NM_000051.4 (MANE Select); coding-DNA position 8077, G replaced by A.
Protein change: p.Ala2693Thr; replaces alanine 2693 with threonine.
Molecular consequence: missense variant. On other transcripts: intron variant (2).
Genome position (GRCh38, 1-based): chr11:108,335,035, G>A. VCF-style: chr11-108335035-G-A. GRCh37 (hg19) VCF-style: chr11-108205762-G-A.
Other names: c.8077G>A, p.Ala2693Thr (NM_001351834.2); c.641-25964C>T (NM_001330368.2); c.*38+185C>T (NM_001351110.2); short protein forms A2693T.
Identifiers: ClinVar variation 1001363 (VCV001001363.10), dbSNP rs2086679024, ClinGen allele CA382562016.